The following is an entry in ClinVar:

ClinVar aggregate classification (germline): Uncertain significance (1 of 4 stars; one submission).

gnomAD v4.1: 2 of 1,593,914 alleles (0.00013%); highest among the groups gnomAD compares: Admixed American, 0.0034%; no homozygotes.

Submission:

CeGaT Center for Human Genetics Tuebingen
Classification: Uncertain significance. Last evaluated: 2025-01-01. Review status: criteria provided, single submitter. Criteria: CeGaT Center For Human Genetics Tuebingen Variant Classification Criteria Version 2. Collection method: clinical testing. Allele origin: germline. Affected: yes. Observed: 1 variant allele.
Comment: HECTD4: PM2, BP4

NM_001388303.1(HECTD4):c.12534+20C>T

Gene: HECTD4 (HECT domain E3 ubiquitin protein ligase 4; minus strand). Cytogenetic location: 12q24.13.
Variant type: single nucleotide variant.
Coding change: c.12534+20C>T on transcript NM_001388303.1 (MANE Select); 20 bases into the intron after coding-DNA position 12534, C replaced by T.
Molecular consequence: intron variant.
Genome position (GRCh38, 1-based): chr12:112,167,297, G>A on the plus strand (C>T on the coding strand, the complement: HECTD4 is on the minus strand). VCF-style: chr12-112167297-G-A. GRCh37 (hg19) VCF-style: chr12-112605101-G-A.
Other names: c.12564+20C>T (NM_001109662.4).
Identifiers: ClinVar variation 3771438 (VCV003771438.13).